The following is an entry in ClinVar:

ClinVar aggregate classification (germline): Likely benign. Review status: criteria provided, single submitter (1 of 4 stars). 2 submissions from 2 submitters: Likely benign (1). 1 of the submissions does not count toward it. Last evaluated 2024-11-18.

Conditions:
PDE11A-related disorder. Also called: PDE11A-related condition.

Allele frequency attached by ClinVar (database versions not stated): 1000 Genomes Project 30x 0.00031; 1000 Genomes Project 0.00040; TOPMed 0.00062; gnomAD 0.00068; ExAC 0.00105; ESP Exome Variant Server 0.00146.
gnomAD v4.1: 1,377 of 1,613,004 alleles (0.085%); highest among the groups gnomAD compares: Middle Eastern, 0.15%; 3 homozygotes.

Submissions (3):

Blueprint Genetics
Classification: Likely benign. Last evaluated: 2024-11-18. Review status: criteria provided, single submitter. Criteria: ACMG Guidelines, 2015. Collection method: clinical testing. Allele origin: germline.

PreventionGenetics, part of Exact Sciences
Classification: Benign for PDE11A-related condition. Last evaluated: 2019-12-09. Review status: no assertion criteria provided. Collection method: clinical testing. Allele origin: germline. Not counted in ClinVar's aggregate classification.
Comment: This variant is classified as benign based on ACMG/AMP sequence variant interpretation guidelines (Richards et al. 2015 PMID: 25741868, with internal and published modifications).

Dr. Peter K. Rogan Lab, Western University
No classification provided (evidence only). Condition: Uterine corpus endometrial carcinoma. Review status: no classification provided. Collection method: in vitro. Allele origin: not applicable. Functional consequence: retained intron. Not counted in ClinVar's aggregate classification.

NM_016953.4(PDE11A):c.893A>G (p.Asn298Ser)

Gene: PDE11A (phosphodiesterase 11A; minus strand). Cytogenetic location: 2q31.2.
Variant type: single nucleotide variant.
Coding change: c.893A>G on transcript NM_016953.4 (MANE Select); coding-DNA position 893, A replaced by G.
Protein change: p.Asn298Ser; replaces asparagine 298 with serine.
Molecular consequence: missense variant. On other transcripts: intron variant (1).
Genome position (GRCh38, 1-based): chr2:178,071,545, T>C on the plus strand (A>G on the coding strand, the complement: PDE11A is on the minus strand). VCF-style: chr2-178071545-T-C. GRCh37 (hg19) VCF-style: chr2-178936272-T-C.
Other names: NC_000002.11:g.178936272T>C; c.162+32757A>G (NM_001077197.2); short protein forms N298S.
Identifiers: ClinVar variation 3048858 (VCV003048858.4), dbSNP rs78328794, ClinGen allele CA1982176.